The following is an entry in ClinVar:

NM_001370259.2(MEN1):c.338C>T (p.Ser113Phe)

Gene: MEN1 (menin 1; minus strand). Cytogenetic location: 11q13.1.
Variant type: single nucleotide variant.
Coding change: c.338C>T on transcript NM_001370259.2 (MANE Select); coding-DNA position 338, C replaced by T.
Protein change: p.Ser113Phe; replaces serine 113 with phenylalanine.
Molecular consequence: missense variant.
Genome position (GRCh38, 1-based): chr11:64,809,772, G>A on the plus strand (C>T on the coding strand, the complement: MEN1 is on the minus strand). VCF-style: chr11-64809772-G-A. GRCh37 (hg19) VCF-style: chr11-64577244-G-A.
Other names: c.338C>T, p.Ser113Phe (NM_000244.4, NM_001370251.2, NM_001370260.2 and 9 more transcripts); c.338C>T (NM_130799.2); short protein forms S113F.
Identifiers: ClinVar variation 1008269 (VCV001008269.10), dbSNP rs1941986326, ClinGen allele CA381187376.
Genomic context (GRCh38, chr11:64,809,772, plus strand): 5'-TAGGAGCGGCTGAGGCTGTTCCATATGACATCGGAGACCTTCTTCACCAGCTCACGGCTG[G>A]AGACACCCCCTTCTCGAGGATAGAGGGACAGGTCGACGGCGCCTCGGATCTGGGCGGTGA-3'
Protein context (NP_001357188.2, residues 103-123): LSLYPREGGV[Ser113Phe]SRELVKKVSD

ClinVar aggregate classification (germline): Uncertain significance. Review status: criteria provided, multiple submitters, no conflicts (2 of 4 stars). 2 submissions from 2 submitters: Uncertain significance (2). Last evaluated 2026-03-25.

Conditions:
Hereditary cancer-predisposing syndrome. Also called: Hereditary neoplastic syndrome; Neoplastic Syndromes, Hereditary; Tumor predisposition; Hereditary Cancer Syndrome. Identifiers: Orphanet 140162, MedGen C0027672, MeSH D009386, MONDO:0015356.
Multiple endocrine neoplasia, type 1 (MEN1). Also called: MEA I; MEN I; WERMER SYNDROME; Endocrine adenomatosis multiple; MEN 1. Identifiers: Orphanet 652, MedGen C0025267, MeSH D018761, MONDO:0007540, OMIM 131100.

Allele frequency attached by ClinVar (database versions not stated): gnomAD exomes below 0.00001.
gnomAD v4.1: 1 of 1,614,102 alleles (0.000062%); highest among the groups gnomAD compares: Non-Finnish European, 0.000085%; no homozygotes.

Submissions (2):

Ambry Genetics
Classification: Uncertain significance for Hereditary cancer-predisposing syndrome. Last evaluated: 2026-03-25. Review status: criteria provided, single submitter. Criteria: Ambry Variant Classification Scheme 2023. Collection method: clinical testing. Allele origin: germline.
Comment: The p.S113F variant (also known as c.338C>T), located in coding exon 1 of the MEN1 gene, results from a C to T substitution at nucleotide position 338. The serine at codon 113 is replaced by phenylalanine, an amino acid with highly dissimilar properties. This amino acid position is highly conserved in available vertebrate species. In addition, this alteration is predicted to be deleterious by in silico analysis. Based on the available evidence, the clinical significance of this variant remains unclear.

Labcorp Genetics (formerly Invitae), Labcorp
Classification: Uncertain significance for Multiple endocrine neoplasia, type 1. Last evaluated: 2020-03-26. Review status: criteria provided, single submitter. Criteria: Invitae Variant Classification Sherloc (09022015). Collection method: clinical testing. Allele origin: germline.
Comment: This variant is not present in population databases (ExAC no frequency). This sequence change replaces serine with phenylalanine at codon 113 of the MEN1 protein (p.Ser113Phe). The serine residue is highly conserved and there is a large physicochemical difference between serine and phenylalanine. In summary, the available evidence is currently insufficient to determine the role of this variant in disease. Therefore, it has been classified as a Variant of Uncertain Significance. Algorithms developed to predict the effect of missense changes on protein structure and function are either unavailable or do not agree on the potential impact of this missense change (SIFT: "Deleterious"; PolyPhen-2: "Probably Damaging"; Align-GVGD: "Class C15"). This variant has not been reported in the literature in individuals with MEN1-related conditions.